The following is an entry in ClinVar:

NM_015978.3(TNNI3K):c.2449A>G (p.Met817Val)

Genes: FPGT-TNNI3K (FPGT-TNNI3K readthrough; plus strand), TNNI3K (TNNI3 interacting kinase; plus strand). Cytogenetic location: 1p31.1.
Variant type: single nucleotide variant.
Coding change: c.2449A>G on transcript NM_015978.3 (MANE Select); coding-DNA position 2449, A replaced by G.
Protein change: p.Met817Val; replaces methionine 817 with valine.
Molecular consequence: missense variant.
Genome position (GRCh38, 1-based): chr1:74,543,923, A>G. VCF-style: chr1-74543923-A-G. GRCh37 (hg19) VCF-style: chr1-75009607-A-G.
Other names: c.2752A>G, p.Met918Val (NM_001112808.3); c.2449A>G (NM_015978.2); short protein forms M817V, M918V.
Identifiers: ClinVar variation 1664312 (VCV001664312.12), dbSNP rs147226361, ClinGen allele CA909914.
Genomic context (GRCh38, chr1:74,543,923, plus strand): 5'-TGAAAGACTAGTAAGTAACAACTGAACTTCTTTTCTGATGCAGGCTATGTATCCGATCCC[A>G]TGAGCTCAATGCATTTTCATTCTTGCCGAAATAGTAGCAGCTTTGAGGACAGCAGCTGAC-3'
Protein context (NP_057062.1, residues 807-827): IDKYGYVSDP[Met817Val]SSMHFHSCRN

ClinVar aggregate classification (germline): Benign/Likely benign. Review status: criteria provided, multiple submitters, no conflicts (2 of 4 stars). 4 submissions from 4 submitters: Benign (1); Likely benign (2). 1 of the submissions does not count toward it. Last evaluated 2026-01-19.

Conditions:
FPGT-TNNI3K-related disorder. Also called: FPGT-TNNI3K-related condition.

Allele frequency attached by ClinVar (database versions not stated): ESP Exome Variant Server 0.00015; gnomAD 0.00027 and 0.00044; TOPMed 0.00043; gnomAD exomes 0.00063 and 0.00092; ExAC 0.00103; 1000 Genomes Project 30x 0.00156; 1000 Genomes Project 0.00160.
gnomAD v4.1: 977 of 1,613,530 alleles (0.061%); highest among the groups gnomAD compares: East Asian, 1.5%; 10 homozygotes.

Submissions (4):

Labcorp Genetics (formerly Invitae), Labcorp
Classification: Benign. Last evaluated: 2026-01-19. Review status: criteria provided, single submitter. Criteria: Invitae Variant Classification Sherloc (09022015). Collection method: clinical testing. Allele origin: germline.

Molecular Diagnostic Laboratory for Inherited Cardiovascular Disease, Montreal Heart Institute
Classification: Likely benign. Last evaluated: 2025-04-09. Review status: criteria provided, single submitter. Criteria: ACMG Guidelines, 2015. Collection method: clinical testing. Allele origin: germline. Affected: no.

Blueprint Genetics
Classification: Likely benign. Last evaluated: 2024-11-06. Review status: criteria provided, single submitter. Criteria: ACMG Guidelines, 2015. Collection method: clinical testing. Allele origin: germline.

PreventionGenetics, part of Exact Sciences
Classification: Likely benign for FPGT-TNNI3K-related condition. Last evaluated: 2019-07-11. Review status: no assertion criteria provided. Collection method: clinical testing. Allele origin: germline. Not counted in ClinVar's aggregate classification.
Comment: This variant is classified as likely benign based on ACMG/AMP sequence variant interpretation guidelines (Richards et al. 2015 PMID: 25741868, with internal and published modifications).